The following is an entry in ClinVar:

ClinVar aggregate classification (germline): Uncertain significance (1 of 4 stars; one submission).

Conditions:
Familial hemiplegic migraine. Identifiers: MedGen C0338484, MONDO:0000700.

gnomAD v4.1: 6 of 1,614,040 alleles (0.00037%); highest among the groups gnomAD compares: Non-Finnish European, 0.00042%; no homozygotes.

Submission:

Labcorp Genetics (formerly Invitae), Labcorp
Classification: Uncertain significance for Familial hemiplegic migraine. Last evaluated: 2025-02-04. Review status: criteria provided, single submitter. Criteria: Invitae Variant Classification Sherloc (09022015). Collection method: clinical testing. Allele origin: germline.
Comment: This sequence change replaces valine, which is neutral and non-polar, with methionine, which is neutral and non-polar, at codon 661 of the ATP1A2 protein (p.Val661Met). This variant is not present in population databases (gnomAD no frequency). This variant has not been reported in the literature in individuals affected with ATP1A2-related conditions. Invitae Evidence Modeling of protein sequence and biophysical properties (such as structural, functional, and spatial information, amino acid conservation, physicochemical variation, residue mobility, and thermodynamic stability) indicates that this missense variant is expected to disrupt ATP1A2 protein function with a positive predictive value of 80%. In summary, the available evidence is currently insufficient to determine the role of this variant in disease. Therefore, it has been classified as a Variant of Uncertain Significance.

NM_000702.4(ATP1A2):c.1981G>A (p.Val661Met)

Gene: ATP1A2 (ATPase Na+/K+ transporting subunit alpha 2; plus strand). Cytogenetic location: 1q23.2.
Variant type: single nucleotide variant.
Coding change: c.1981G>A on transcript NM_000702.4 (MANE Select); coding-DNA position 1981, G replaced by A.
Protein change: p.Val661Met; replaces valine 661 with methionine.
Molecular consequence: missense variant.
Genome position (GRCh38, 1-based): chr1:160,135,161, G>A. VCF-style: chr1-160135161-G-A. GRCh37 (hg19) VCF-style: chr1-160104951-G-A.
Other names: short protein forms V661M.
Identifiers: ClinVar variation 4754528 (VCV004754528.1).
Genomic context (GRCh38, chr1:160,135,161, plus strand): 5'-CAGGTGCCAGGGGTCAGCTGTCTCTGTCCCCACCCACCCTCCAGAGAAGCCAAGGCATGC[G>A]TGGTGCACGGCTCTGACCTGAAGGACATGACATCGGAGCAGCTCGATGAGATCCTCAAGA-3'
Protein context (NP_000693.1, residues 651-671): QVNPREAKAC[Val661Met]VHGSDLKDMT